The following is an entry in ClinVar:

ClinVar aggregate classification (germline): Likely pathogenic (1 of 4 stars; one submission).

Conditions:
Epidermodysplasia verruciformis. Identifiers: Orphanet 302, MedGen C0014522, MONDO:0009176.

Allele frequency attached by ClinVar (database versions not stated): ExAC 0.00003; TOPMed 0.00004; gnomAD 0.00005; ESP Exome Variant Server 0.00008.

Submission:

Labcorp Genetics (formerly Invitae), Labcorp
Classification: Likely pathogenic for Epidermodysplasia verruciformis. Last evaluated: 2025-08-09. Review status: criteria provided, single submitter. Criteria: Invitae Variant Classification Sherloc (09022015). Collection method: clinical testing. Allele origin: germline.
Comment: This sequence change affects a donor splice site in intron 8 of the TMC8 gene. It is expected to disrupt RNA splicing. Variants that disrupt the donor or acceptor splice site typically lead to a loss of protein function (PMID: 16199547), and loss-of-function variants in TMC8 are known to be pathogenic (PMID: 12426567, 22158547). This variant is present in population databases (rs368631059, gnomAD 0.005%). This variant has not been reported in the literature in individuals affected with TMC8-related conditions. ClinVar contains an entry for this variant (Variation ID: 2193864). Algorithms developed to predict the effect of sequence changes on RNA splicing suggest that this variant may disrupt the consensus splice site. In summary, the currently available evidence indicates that the variant is pathogenic, but additional data are needed to prove that conclusively. Therefore, this variant has been classified as Likely Pathogenic.

Literature cited by the submitters: PubMed 16199547; PubMed 12426567; PubMed 22158547.

NM_152468.5(TMC8):c.987+1G>A

Gene: TMC8 (transmembrane channel like 8; plus strand). Cytogenetic location: 17q25.3.
Variant type: single nucleotide variant.
Coding change: c.987+1G>A on transcript NM_152468.5 (MANE Select); the canonical splice donor site of the intron after coding-DNA position 987, G replaced by A.
Molecular consequence: splice donor variant.
Genome position (GRCh38, 1-based): chr17:78,134,565, G>A. VCF-style: chr17-78134565-G-A. GRCh37 (hg19) VCF-style: chr17-76130646-G-A.
Identifiers: ClinVar variation 2193864 (VCV002193864.4), dbSNP rs368631059, ClinGen allele CA8796674.